The following is an entry in ClinVar:

NM_004036.5(ADCY3):c.2508G>A (p.Val836=)

Gene: ADCY3 (adenylate cyclase 3; minus strand). Cytogenetic location: 2p23.3.
Variant type: single nucleotide variant.
Coding change: c.2508G>A on transcript NM_004036.5 (MANE Select); coding-DNA position 2508, G replaced by A.
Protein change: p.Val836=; no amino-acid change (valine 836 retained).
Molecular consequence: synonymous variant. On other transcripts: intron variant (1).
Genome position (GRCh38, 1-based): chr2:24,826,114, C>T on the plus strand (G>A on the coding strand, the complement: ADCY3 is on the minus strand). VCF-style: chr2-24826114-C-T. GRCh37 (hg19) VCF-style: chr2-25048983-C-T.
Other names: c.2511G>A, p.Val837= (NM_001320613.2); c.2574G>A, p.Val858= (NM_001377128.1); c.2370G>A, p.Val790= (NM_001377129.1); c.1785G>A, p.Val595= (NM_001377131.1); c.2508G>A, p.Val836= (NM_001377132.1); c.2173-1578G>A (NM_001377130.1).
Identifiers: ClinVar variation 3355264 (VCV003355264.1).
Genomic context (GRCh38, chr2:24,826,114, plus strand): 5'-GAAGTAGTAGAAGCTGAGCATCATGAGGAACACCATCACCGTCATAGAGTACTTGGAAGG[C>T]ACCAGGGGCAGCCTGCTGGGCAGAGCGTGTGCAACTGAAAGGGCTGTCATCTGCCTCCTG-3'
Protein context (NP_004027.2, residues 826-846): GLNGTDRLPL[Val836=]PSKYSMTVMV

ClinVar aggregate classification (germline): Likely benign (0 of 4 stars; one submission).

Conditions:
ADCY3-related disorder. Also called: ADCY3-related condition.

Submission:

PreventionGenetics, part of Exact Sciences
Classification: Likely benign for ADCY3-related condition. Last evaluated: 2021-06-03. Review status: no assertion criteria provided. Collection method: clinical testing. Allele origin: germline.
Comment: This variant is classified as likely benign based on ACMG/AMP sequence variant interpretation guidelines (Richards et al. 2015 PMID: 25741868, with internal and published modifications).